The following is an entry in ClinVar:

NM_001372.4(DNAH9):c.7666G>A (p.Gly2556Arg)

Gene: DNAH9 (dynein axonemal heavy chain 9; plus strand). Cytogenetic location: 17p12.
Variant type: single nucleotide variant.
Coding change: c.7666G>A on transcript NM_001372.4 (MANE Select); coding-DNA position 7666, G replaced by A.
Protein change: p.Gly2556Arg; replaces glycine 2556 with arginine.
Molecular consequence: missense variant.
Genome position (GRCh38, 1-based): chr17:11,781,122, G>A. VCF-style: chr17-11781122-G-A. GRCh37 (hg19) VCF-style: chr17-11684439-G-A.
Other names: short protein forms G2556R.
Identifiers: ClinVar variation 1910676 (VCV001910676.5), dbSNP rs760880268, ClinGen allele CA8396676.

ClinVar aggregate classification (germline): Uncertain significance (1 of 4 stars; one submission).

Allele frequency attached by ClinVar (database versions not stated): gnomAD 0.00001; TOPMed 0.00001; ExAC 0.00002.
gnomAD v4.1: 9 of 1,613,992 alleles (0.00056%); highest among the groups gnomAD compares: Admixed American, 0.0067%; no homozygotes.

Submission:

Labcorp Genetics (formerly Invitae), Labcorp
Classification: Uncertain significance. Last evaluated: 2022-09-27. Review status: criteria provided, single submitter. Criteria: Invitae Variant Classification Sherloc (09022015). Collection method: clinical testing. Allele origin: germline.
Comment: In summary, the available evidence is currently insufficient to determine the role of this variant in disease. Therefore, it has been classified as a Variant of Uncertain Significance. Algorithms developed to predict the effect of sequence changes on RNA splicing suggest that this variant may create or strengthen a splice site. Advanced modeling of protein sequence and biophysical properties (such as structural, functional, and spatial information, amino acid conservation, physicochemical variation, residue mobility, and thermodynamic stability) performed at Invitae indicates that this missense variant is not expected to disrupt DNAH9 protein function. This variant has not been reported in the literature in individuals affected with DNAH9-related conditions. This variant is present in population databases (rs760880268, gnomAD 0.006%). This sequence change replaces glycine, which is neutral and non-polar, with arginine, which is basic and polar, at codon 2556 of the DNAH9 protein (p.Gly2556Arg).